The following is an entry in ClinVar:

NM_000465.4(BARD1):c.365-2A>T

Gene: BARD1 (BRCA1 associated RING domain 1; minus strand). Cytogenetic location: 2q35.
Variant type: single nucleotide variant.
Coding change: c.365-2A>T on transcript NM_000465.4 (MANE Select); the canonical splice acceptor site of the intron before coding-DNA position 365, A replaced by T.
Molecular consequence: splice acceptor variant. On other transcripts: intron variant (3).
Genome position (GRCh38, 1-based): chr2:214,781,511, T>A on the plus strand (A>T on the coding strand, the complement: BARD1 is on the minus strand). VCF-style: chr2-214781511-T-A. GRCh37 (hg19) VCF-style: chr2-215646235-T-A.
Other names: c.158+27901A>T (NM_001282548.2); c.308-2A>T (NM_001282543.2); c.215+15550A>T (NM_001282545.2); c.364+10786A>T (NM_001282549.2).
Identifiers: ClinVar variation 2854109 (VCV002854109.3), dbSNP rs2469514913, ClinGen allele CA350458457.

ClinVar aggregate classification (germline): Likely pathogenic (1 of 4 stars; one submission).

Conditions:
Familial cancer of breast. Also called: Hereditary breast cancer; BREAST CANCER, FAMILIAL; hereditary breast carcinoma. Identifiers: Orphanet 227535, MedGen C0346153, MONDO:0016419, OMIM 114480. Disease mechanism: loss of function.

Submission:

Labcorp Genetics (formerly Invitae), Labcorp
Classification: Likely pathogenic for Familial cancer of breast. Last evaluated: 2024-05-21. Review status: criteria provided, single submitter. Criteria: Invitae Variant Classification Sherloc (09022015). Collection method: clinical testing. Allele origin: germline.
Comment: This sequence change affects an acceptor splice site in intron 3 of the BARD1 gene. RNA analysis indicates that disruption of this splice site induces altered splicing and may result in an absent or disrupted protein product. This variant is not present in population databases (gnomAD no frequency). This variant has not been reported in the literature in individuals affected with BARD1-related conditions. Studies have shown that disruption of this splice site results in skipping of exon 4 and introduces a premature termination codon (Invitae). The resulting mRNA is expected to undergo nonsense-mediated decay. In summary, the currently available evidence indicates that the variant is pathogenic, but additional data are needed to prove that conclusively. Therefore, this variant has been classified as Likely Pathogenic.